The following is an entry in ClinVar:

ClinVar aggregate classification (germline): Uncertain significance (1 of 4 stars; one submission).

Allele frequency attached by ClinVar (database versions not stated): gnomAD exomes below 0.00001.
gnomAD v4.1: 2 of 1,614,124 alleles (0.00012%); highest among the groups gnomAD compares: Admixed American, 0.0017%; no homozygotes.

Submission:

Labcorp Genetics (formerly Invitae), Labcorp
Classification: Uncertain significance. Last evaluated: 2022-05-20. Review status: criteria provided, single submitter. Criteria: Invitae Variant Classification Sherloc (09022015). Collection method: clinical testing. Allele origin: germline.
Comment: This sequence change replaces isoleucine, which is neutral and non-polar, with valine, which is neutral and non-polar, at codon 783 of the CEP250 protein (p.Ile783Val). This variant is present in population databases (no rsID available, gnomAD no frequency). In summary, the available evidence is currently insufficient to determine the role of this variant in disease. Therefore, it has been classified as a Variant of Uncertain Significance. Algorithms developed to predict the effect of missense changes on protein structure and function are either unavailable or do not agree on the potential impact of this missense change (SIFT: "Not Available"; PolyPhen-2: "Benign"; Align-GVGD: "Not Available"). This variant has not been reported in the literature in individuals affected with CEP250-related conditions.

NM_007186.6(CEP250):c.2347A>G (p.Ile783Val)

Genes: CEP250-AS1 (CEP250 antisense RNA 1; minus strand), CEP250 (centrosomal protein 250; plus strand). Cytogenetic location: 20q11.22.
Variant type: single nucleotide variant.
Coding change: c.2347A>G on transcript NM_007186.6 (MANE Select); coding-DNA position 2347, A replaced by G.
Protein change: p.Ile783Val; replaces isoleucine 783 with valine.
Molecular consequence: missense variant.
Genome position (GRCh38, 1-based): chr20:35,479,704, A>G. VCF-style: chr20-35479704-A-G. GRCh37 (hg19) VCF-style: chr20-34067529-A-G.
Other names: c.451A>G, p.Ile151Val (NM_001318219.1); short protein forms I783V, I151V.
Identifiers: ClinVar variation 1996853 (VCV001996853.4), dbSNP rs1456221198, ClinGen allele CA408769402.